The following is an entry in ClinVar:

GRCh38/hg38 1q43-44(chr1:239629868-248924593)x1

Genes: ADSS2 (adenylosuccinate synthase 2; minus strand), AHCTF1 (AT-hook containing transcription factor 1; minus strand), AKT3 (AKT serine/threonine kinase 3; minus strand), AKT3-IT1 (AKT3 intronic transcript 1; minus strand), BECN2 (beclin 2; plus strand) and 274 more. Cytogenetic location: 1q43-44.
Variant type: copy number loss.
Change: copy number 1 (one copy instead of two) of chr1:239,629,868-248,924,593 (9.29 Mb, GRCh38 coordinates, 1-based), cytogenetic band 1q43-44.
Identifiers: ClinVar variation 60150 (VCV000060150.2).

ClinVar aggregate classification (germline): Pathogenic (1 of 4 stars; one submission).

Submission:

ISCA Site 6
Classification: Pathogenic. Last evaluated: 2011-08-12. Review status: criteria provided, single submitter. Criteria: Kaminsky et al. (Genet Med. 2011). Collection method: clinical testing. Allele origin: de novo. Affected: yes. Observed: 1 variant allele.
Comment: Copy number variation identified through the course of routine clinical cytogenomic testing in postnatal populations. Clinical assertions have been curated as described in Kaminsky et al. 2011.